The following is an entry in ClinVar:

ClinVar aggregate classification (germline): Uncertain significance (1 of 4 stars; one submission).

Conditions:
Congenital myasthenic syndrome 4A. Also called: CONGENITAL MYASTHENIC SYNDROME TYPE Ia1; Myasthenic syndrome, congenital, 4a, slow-channel; MYASTHENIC SYNDROME, CONGENITAL, 4A, SLOW-CHANNEL, AUTOSOMAL RECESSIVE. Identifiers: Orphanet 590, MedGen C4225413, MONDO:0011600, OMIM 605809.

Allele frequency attached by ClinVar (database versions not stated): gnomAD exomes 0.00002; TOPMed 0.00002.

Submission:

Labcorp Genetics (formerly Invitae), Labcorp
Classification: Uncertain significance for Congenital myasthenic syndrome 4A. Last evaluated: 2023-11-19. Review status: criteria provided, single submitter. Criteria: Invitae Variant Classification Sherloc (09022015). Collection method: clinical testing. Allele origin: germline.
Comment: This sequence change replaces arginine, which is basic and polar, with histidine, which is basic and polar, at codon 352 of the CHRNE protein (p.Arg352His). The frequency data for this variant in the population databases is considered unreliable, as metrics indicate poor data quality at this position in the gnomAD database. This variant has not been reported in the literature in individuals affected with CHRNE-related conditions. ClinVar contains an entry for this variant (Variation ID: 651944). Advanced modeling of protein sequence and biophysical properties (such as structural, functional, and spatial information, amino acid conservation, physicochemical variation, residue mobility, and thermodynamic stability) performed at Invitae indicates that this missense variant is not expected to disrupt CHRNE protein function with a negative predictive value of 80%. In summary, the available evidence is currently insufficient to determine the role of this variant in disease. Therefore, it has been classified as a Variant of Uncertain Significance.

NM_000080.4(CHRNE):c.1055G>A (p.Arg352His)

Genes: CHRNE (cholinergic receptor nicotinic epsilon subunit; minus strand), LOC130060041 (ATAC-STARR-seq lymphoblastoid silent region 8050; plus strand). Cytogenetic location: 17p13.2.
Variant type: single nucleotide variant.
Coding change: c.1055G>A on transcript NM_000080.4 (MANE Select); coding-DNA position 1055, G replaced by A.
Protein change: p.Arg352His; replaces arginine 352 with histidine.
Molecular consequence: missense variant.
Genome position (GRCh38, 1-based): chr17:4,899,362, C>T on the plus strand (G>A on the coding strand, the complement: CHRNE is on the minus strand). VCF-style: chr17-4899362-C-T. GRCh37 (hg19) VCF-style: chr17-4802657-C-T.
Other names: c.1055G>A, p.Arg352His (LRG_1254t1); short protein forms R352H.
Identifiers: ClinVar variation 651944 (VCV000651944.6), dbSNP rs764744220, ClinGen allele CA287180387.